The following is an entry in ClinVar:

ClinVar aggregate classification (germline): Benign (1 of 4 stars; one submission).

Allele frequency attached by ClinVar (database versions not stated): 1000 Genomes Project 30x 0.01936; 1000 Genomes Project 0.02017; TOPMed 0.03517; gnomAD 0.03643 and 0.03704; gnomAD exomes 0.04574.
gnomAD v4.1: 23,242 of 539,172 alleles (4.3%); highest among the groups gnomAD compares: Non-Finnish European, 5.4%; 654 homozygotes.

Submission:

GeneDx
Classification: Benign. Last evaluated: 2018-06-14. Review status: criteria provided, single submitter. Criteria: GeneDx Variant Classification (06012015). Collection method: clinical testing. Allele origin: germline. Affected: yes.
Comment: This variant is considered likely benign or benign based on one or more of the following criteria: it is a conservative change, it occurs at a poorly conserved position in the protein, it is predicted to be benign by multiple in silico algorithms, and/or has population frequency not consistent with disease.

NM_206933.4(USH2A):c.5298+188T>G

Genes: USH2A (usherin; minus strand), USH2A-AS2 (USH2A antisense RNA 2; plus strand). Cytogenetic location: 1q41.
Variant type: single nucleotide variant.
Coding change: c.5298+188T>G on transcript NM_206933.4 (MANE Select); 188 bases into the intron after coding-DNA position 5298, T replaced by G.
Molecular consequence: intron variant.
Genome position (GRCh38, 1-based): chr1:216,083,268, A>C on the plus strand (T>G on the coding strand, the complement: USH2A is on the minus strand). VCF-style: chr1-216083268-A-C. GRCh37 (hg19) VCF-style: chr1-216256610-A-C.
Identifiers: ClinVar variation 678913 (VCV000678913.1), dbSNP rs3925007, ClinGen allele CA37444825.